The following is an entry in ClinVar:

NM_001003891.3(MED15):c.629_655del (p.Leu210_Gln218del)

Genes: MED15 (mediator complex subunit 15; plus strand), LOC130067000 (ATAC-STARR-seq lymphoblastoid active region 18682; plus strand). Cytogenetic location: 22q11.21.
Variant type: Deletion.
Coding change: c.629_655del on transcript NM_001003891.3 (MANE Select); coding-DNA positions 629 to 655, 27 bases deleted (TCCAGCAGCAGCAGCAGCAGCAGCAGC).
Protein change: p.Leu210_Gln218del.
Molecular consequence: inframe deletion.
Genome position (GRCh38, 1-based): chr22:20,564,627-20,564,653, TCCAGCAGCAGCAGCAGCAGCAGCAGC deleted; deleting any 27 consecutive bases within chr22:20,564,610-20,564,653 gives the same sequence; the c. name uses the placement nearest the transcript's 3' end. VCF-style (leftmost placement, unchanged base first): chr22-20564609-TGCAGCAGCAGCAGCAGCTCCAGCAGCA-T. GRCh37 (hg19) VCF-style: chr22-20918896-TGCAGCAGCAGCAGCAGCTCCAGCAGCA-T.
Other names: c.551_577del, p.Leu184_Gln192del (NM_001293235.2, NM_001293237.2); c.416_442del, p.Leu139_Gln147del (NM_001293236.2); c.629_655del, p.Leu210_Gln218del (NM_015889.5, NM_001293234.2).
Identifiers: ClinVar variation 2652901 (VCV002652901.24), dbSNP rs763835447, ClinGen allele CA10113510.

ClinVar aggregate classification (germline): Benign (1 of 4 stars; one submission).

Submission:

CeGaT Center for Human Genetics Tuebingen
Classification: Benign. Last evaluated: 2023-03-01. Review status: criteria provided, single submitter. Criteria: CeGaT Center For Human Genetics Tuebingen Variant Classification Criteria Version 2. Collection method: clinical testing. Allele origin: germline. Affected: yes. Observed: 1 variant allele.
Comment: MED15: BS1, BS2